The following is an entry in ClinVar:

NM_001384474.1(LOXHD1):c.4096-7del

Gene: LOXHD1 (lipoxygenase homology PLAT domains 1; minus strand). Cytogenetic location: 18q21.1.
Variant type: Deletion.
Coding change: c.4096-7del on transcript NM_001384474.1 (MANE Select); 7 bases into the intron before coding-DNA position 4096, one base deleted (T; older notation c.4096-7delT).
Molecular consequence: intron variant.
Genome position (GRCh38, 1-based): chr18:46,534,458, A deleted on the plus strand (T on the coding strand, the reverse complement: LOXHD1 is on the minus strand); the first of 3 consecutive A bases (chr18:46,534,458-46,534,460); deleting any one gives the same sequence. VCF-style (leftmost placement, unchanged base first): chr18-46534457-GA-G. GRCh37 (hg19) VCF-style: chr18-44114420-GA-G.
Other names: c.763-7del (NM_001145472.3); c.475-7del (NM_001308013.2); c.4096-7del (NM_144612.7).
Identifiers: ClinVar variation 1091504 (VCV001091504.11), dbSNP rs1314985669, ClinGen allele CA629512778.

ClinVar aggregate classification (germline): Conflicting classifications of pathogenicity. Review status: criteria provided, conflicting classifications (1 of 4 stars). 2 submissions from 2 submitters: Uncertain significance (1); Likely benign (1). Last evaluated 2023-04-11.

Submissions (2):

Labcorp Genetics (formerly Invitae), Labcorp
Classification: Likely benign. Last evaluated: 2023-04-11. Review status: criteria provided, single submitter. Criteria: Invitae Variant Classification Sherloc (09022015). Collection method: clinical testing. Allele origin: germline.

GeneDx
Classification: Uncertain significance. Last evaluated: 2019-02-05. Review status: criteria provided, single submitter. Criteria: GeneDx Variant Classification Process June 2021. Collection method: clinical testing. Allele origin: germline. Affected: yes.
Comment: Has not been previously published as pathogenic or benign to our knowledge; In-silico analyses, including splice predictors and evolutionary conservation, are inconsistent in their assessment as to whether or not the variant is damaging